The following is an entry in ClinVar:

NM_016169.4(SUFU):c.1234G>A (p.Gly412Arg)

Gene: SUFU (SUFU negative regulator of hedgehog signaling; plus strand). Cytogenetic location: 10q24.32.
Variant type: single nucleotide variant.
Coding change: c.1234G>A on transcript NM_016169.4 (MANE Select); coding-DNA position 1234, G replaced by A.
Protein change: p.Gly412Arg; replaces glycine 412 with arginine.
Molecular consequence: missense variant.
Genome position (GRCh38, 1-based): chr10:102,617,366, G>A. VCF-style: chr10-102617366-G-A. GRCh37 (hg19) VCF-style: chr10-104377123-G-A.
Other names: c.1234G>A, p.Gly412Arg (NM_001178133.2); short protein forms G412R.
Identifiers: ClinVar variation 5030384 (VCV005030384.1).

ClinVar aggregate classification (germline): Uncertain significance (1 of 4 stars; one submission).

Conditions:
Hereditary cancer-predisposing syndrome. Also called: Neoplastic Syndromes, Hereditary; Tumor predisposition; Hereditary neoplastic syndrome; Hereditary Cancer Syndrome. Identifiers: Orphanet 140162, MedGen C0027672, MeSH D009386, MONDO:0015356.

gnomAD v4.1: 1 of 1,614,234 alleles (0.000062%); highest among the groups gnomAD compares: South Asian, 0.0011%; no homozygotes.

Submission:

Ambry Genetics
Classification: Uncertain significance for Hereditary cancer-predisposing syndrome. Last evaluated: 2026-07-07. Review status: criteria provided, single submitter. Criteria: Ambry Variant Classification Scheme 2023. Collection method: clinical testing. Allele origin: germline.
Comment: The p.G412R variant (also known as c.1234G>A), located in coding exon 10 of the SUFU gene, results from a G to A substitution at nucleotide position 1234. The glycine at codon 412 is replaced by arginine, an amino acid with dissimilar properties. This amino acid position is conserved. In addition, the in silico prediction for this alteration is inconclusive. Based on the available evidence, the clinical significance of this variant remains unclear.